The following is an entry in ClinVar:

NM_002230.4(JUP):c.687del (p.Ala230fs)

Gene: JUP (junction plakoglobin; minus strand). Cytogenetic location: 17q21.2.
Variant type: Deletion.
Coding change: c.687del on transcript NM_002230.4 (MANE Select); coding-DNA position 687, one base deleted (T; older notation c.687delT).
Protein change: p.Ala230fs; shifts the reading frame from alanine 230.
Molecular consequence: frameshift variant.
Genome position (GRCh38, 1-based): chr17:41,768,989, A deleted on the plus strand (T on the coding strand, the reverse complement: JUP is on the minus strand). VCF-style (leftmost placement, unchanged base first): chr17-41768988-CA-C. GRCh37 (hg19) VCF-style: chr17-39925240-CA-C.
Other names: c.687del, p.Ala230fs (NM_001352773.2, NM_001352774.2, NM_001352775.2 and 3 more transcripts); short protein forms A230fs.
Identifiers: ClinVar variation 2078437 (VCV002078437.4), dbSNP rs2544179444, ClinGen allele CA2580093906.

ClinVar aggregate classification (germline): Pathogenic (1 of 4 stars; one submission).

Conditions:
Naxos disease (NXD). Also called: KERATOSIS PALMOPLANTARIS WITH ARRHYTHMOGENIC CARDIOMYOPATHY; WOOLLY HAIR, PALMOPLANTAR KERATODERMA, AND CARDIAC ABNORMALITIES; MAL DE NAXOS; PALMOPLANTAR KERATODERMA WITH ARRHYTHMOGENIC RIGHT VENTRICULAR CARDIOMYOPATHY AND WOOLLY HAIR; CARDIOMYOPATHY, ARRHYTHMOGENIC RIGHT VENTRICULAR, WITH SKIN, HAIR, AND NAIL ABNORMALITIES. Identifiers: Orphanet 34217, MedGen C1832600, MONDO:0011017, OMIM 601214.
Arrhythmogenic right ventricular dysplasia 12. Also called: ARRHYTHMOGENIC RIGHT VENTRICULAR DYSPLASIA, FAMILIAL, 12. Identifiers: MedGen C1969081, MONDO:0012684, OMIM 611528.

Submission:

Labcorp Genetics (formerly Invitae), Labcorp
Classification: Pathogenic for Arrhythmogenic right ventricular dysplasia 12; Naxos disease. Last evaluated: 2022-01-11. Review status: criteria provided, single submitter. Criteria: Invitae Variant Classification Sherloc (09022015). Collection method: clinical testing. Allele origin: germline.
Comment: For these reasons, this variant has been classified as Pathogenic. This variant has not been reported in the literature in individuals affected with JUP-related conditions. This variant is not present in population databases (gnomAD no frequency). This sequence change creates a premature translational stop signal (p.Ala230Leufs*75) in the JUP gene. It is expected to result in an absent or disrupted protein product. Loss-of-function variants in JUP are known to be pathogenic (PMID: 10902626).

Literature cited by the submitters: PubMed 10902626.